The following is an entry in ClinVar:

ClinVar aggregate classification (germline): Uncertain significance (1 of 4 stars; one submission).

Conditions:
Inborn genetic diseases. Identifiers: MedGen C0950123, MeSH D030342.

Submission:

Ambry Genetics
Classification: Uncertain significance for Inborn genetic diseases. Last evaluated: 2024-01-29. Review status: criteria provided, single submitter. Criteria: Ambry Variant Classification Scheme 2023. Collection method: clinical testing. Allele origin: germline.
Comment: The p.H118Q variant (also known as c.354C>G), located in coding exon 5 of the ERCC2 gene, results from a C to G substitution at nucleotide position 354. The histidine at codon 118 is replaced by glutamine, an amino acid with highly similar properties. This amino acid position is conserved. In addition, the in silico prediction for this alteration is inconclusive. Based on the available evidence, the clinical significance of this alteration remains unclear.

NM_000400.4(ERCC2):c.354C>G (p.His118Gln)

Gene: ERCC2 (ERCC excision repair 2, TFIIH core complex helicase subunit; minus strand). Cytogenetic location: 19q13.32.
Variant type: single nucleotide variant.
Coding change: c.354C>G on transcript NM_000400.4 (MANE Select); coding-DNA position 354, C replaced by G.
Protein change: p.His118Gln; replaces histidine 118 with glutamine.
Molecular consequence: missense variant.
Genome position (GRCh38, 1-based): chr19:45,368,636, G>C on the plus strand (C>G on the coding strand, the complement: ERCC2 is on the minus strand). VCF-style: chr19-45368636-G-C. GRCh37 (hg19) VCF-style: chr19-45871894-G-C.
Other names: c.282C>G, p.His94Gln (NM_001130867.2); short protein forms H118Q, H94Q.
Identifiers: ClinVar variation 3231694 (VCV003231694.1), dbSNP rs2514043619, ClinGen allele CA406377935.